The following is an entry in ClinVar:

ClinVar aggregate classification (germline): Likely pathogenic (1 of 4 stars; one submission).

Conditions:
Intellectual disability, X-linked 102 (MRXSSB). Also called: Intellectual developmental disorder, X-linked syndromic, Snijders Blok type. Identifiers: Orphanet 457260, MedGen C5393299, MONDO:0010497, OMIM 300958.

Submission:

Clinical Genomics Laboratory, Washington University in St. Louis
Classification: Likely pathogenic for Intellectual disability, X-linked 102. Last evaluated: 2025-07-21. Review status: criteria provided, single submitter. Criteria: ACMG Guidelines, 2015. Collection method: clinical testing. Allele origin: germline. Affected: yes.
Comment: This variant is absent from the general population (gnomAD v4.1.1), indicating it is not a common variant. This variant resides within the helicase domain, amino acids 414-575, of DDX3X that is defined as a critical functional domain (Johnson-Kerner B et al., PMID: 32852922). Computational predictors indicate that the variant is damaging, evidence that correlates with impact to DDX3X function. The DDX3X gene is has a low rate of benign missense variation and where pathogenic missense variants are a common mechanism of disease. Based on available information and the ACMG/AMP guidelines for variant interpretation (Richards S et al., PMID: 25741868), this variant is classified as likely pathogenic.

NM_001356.5(DDX3X):c.1451T>C (p.Leu484Pro)

Gene: DDX3X (DEAD-box helicase 3 X-linked; plus strand). Cytogenetic location: Xp11.4.
Variant type: single nucleotide variant.
Coding change: c.1451T>C on transcript NM_001356.5 (MANE Select); coding-DNA position 1451, T replaced by C.
Protein change: p.Leu484Pro; replaces leucine 484 with proline.
Molecular consequence: missense variant. On other transcripts: non-coding transcript variant (1).
Genome position (GRCh38, 1-based): chrX:41,346,364, T>C. VCF-style: chrX-41346364-T-C. GRCh37 (hg19) VCF-style: chrX-41205617-T-C.
Other names: c.1451T>C, p.Leu484Pro (NM_001193416.3); c.1403T>C, p.Leu468Pro (NM_001193417.3); c.893T>C, p.Leu298Pro (NM_001363819.1); short protein forms L298P, L468P, L484P.
Identifiers: ClinVar variation 4279859 (VCV004279859.1).